The following is an entry in ClinVar:

ClinVar aggregate classification (germline): Conflicting classifications of pathogenicity. Review status: criteria provided, conflicting classifications (1 of 4 stars). 2 submissions from 2 submitters: Likely pathogenic (1); Uncertain significance (1). Last evaluated 2020-06-01.

Conditions:
AFG3L2-related disorder. Also called: AFG3L2-related condition.

Submissions (2):

Undiagnosed Diseases Network, NIH
Classification: Likely pathogenic for AFG3L2-related condition. Last evaluated: 2020-06-01. Review status: criteria provided, single submitter. Criteria: ACMG Guidelines, 2015. Collection method: clinical testing. Allele origin: de novo. Inheritance: Autosomal dominant inheritance. Affected: yes. Observed: 1 variant allele, 1 heterozygote. Study: Undiagnosed Diseases Network (NIH), UDN.
Comment: An allelic change, c.1295A>C (p.N432T), has been reported in six patients from a family with spinocerebellar ataxia-28 (PMID:20208537).

GeneDx
Classification: Uncertain significance. Last evaluated: 2017-10-06. Review status: criteria provided, single submitter. Criteria: GeneDx Variant Classification (06012015). Collection method: clinical testing. Allele origin: germline. Affected: yes.
Comment: The N432S variant in the AFG3L2 gene has not been reported previously as a pathogenic variant, nor as a benign variant, to our knowledge. This variant is not observed in large population cohorts (Lek et al., 2016). The N432S variant is a conservative amino acid substitution, which is not likely to impact secondary protein structure as these residues share similar properties. However, this substitution occurs at a position that is conserved across species, and in silico analysis predicts this variant is probably damaging to the protein structure/function. A missense variant at the same residue (N432T) has been previously reported in association with autosomal dominant spinocerebellar ataxia (Di Bella et al., 2010), supporting the functional importance of this residue of the protein. We interpret N432S as a variant of uncertain significance.

NM_006796.3(AFG3L2):c.1295A>G (p.Asn432Ser)

Gene: AFG3L2 (AFG3 like matrix AAA peptidase subunit 2; minus strand). Cytogenetic location: 18p11.21.
Variant type: single nucleotide variant.
Coding change: c.1295A>G on transcript NM_006796.3 (MANE Select); coding-DNA position 1295, A replaced by G.
Protein change: p.Asn432Ser; replaces asparagine 432 with serine.
Molecular consequence: missense variant.
Genome position (GRCh38, 1-based): chr18:12,353,028, T>C on the plus strand (A>G on the coding strand, the complement: AFG3L2 is on the minus strand). VCF-style: chr18-12353028-T-C. GRCh37 (hg19) VCF-style: chr18-12353027-T-C.
Other names: p.Asn432Ser; short protein forms N432S.
Identifiers: ClinVar variation 452567 (VCV000452567.3), dbSNP rs151344512, ClinGen allele CA401952757.